The following is an entry in ClinVar:

ClinVar aggregate classification (germline): Likely pathogenic (1 of 4 stars; one submission).

Conditions:
Niemann-Pick disease, type C (NPC). Identifiers: Orphanet 646, MedGen C0220756, MONDO:0018982.

Submission:

Women's Health and Genetics/Laboratory Corporation of America, LabCorp
Classification: Likely pathogenic for Niemann-Pick disease, type C. Last evaluated: 2025-11-11. Review status: criteria provided, single submitter. Criteria: LabCorp Variant Classification Summary - May 2015. Collection method: clinical testing. Allele origin: germline.
Comment: Variant summary: NPC1 c.2872C>G (p.Arg958Gly) results in a non-conservative amino acid change in the encoded protein sequence. Algorithms developed to predict the effect of missense changes on protein structure and function all suggest that this variant is likely to be disruptive. The variant was absent in 251158 control chromosomes. c.2872C>G has been observed in compound heterozygous patients with rare but otherwise unreported variants as second alleles (Abtahi_2022). These data indicate that the variant is likely to be associated with disease. To our knowledge, no experimental evidence demonstrating an impact on protein function has been reported. The following publication has been ascertained in the context of this evaluation (PMID: 35086560). No submitters have cited clinical-significance assessments for this variant to ClinVar. Based on the evidence outlined above, the variant was classified as likely pathogenic.

Literature cited by the submitters: PubMed 35086560.

NM_000271.5(NPC1):c.2872C>G (p.Arg958Gly)

Gene: NPC1 (NPC intracellular cholesterol transporter 1; minus strand). Cytogenetic location: 18q11.2.
Variant type: single nucleotide variant.
Coding change: c.2872C>G on transcript NM_000271.5 (MANE Select); coding-DNA position 2872, C replaced by G.
Protein change: p.Arg958Gly; replaces arginine 958 with glycine.
Molecular consequence: missense variant.
Genome position (GRCh38, 1-based): chr18:23,539,394, G>C on the plus strand (C>G on the coding strand, the complement: NPC1 is on the minus strand). VCF-style: chr18-23539394-G-C. GRCh37 (hg19) VCF-style: chr18-21119358-G-C.
Other names: short protein forms R958G.
Identifiers: ClinVar variation 4536845 (VCV004536845.1).